The following is an entry in ClinVar:

NM_000057.4(BLM):c.1495T>C (p.Ser499Pro)

Gene: BLM (BLM RecQ like helicase; plus strand). Cytogenetic location: 15q26.1.
Variant type: single nucleotide variant.
Coding change: c.1495T>C on transcript NM_000057.4 (MANE Select); coding-DNA position 1495, T replaced by C.
Protein change: p.Ser499Pro; replaces serine 499 with proline.
Molecular consequence: missense variant.
Genome position (GRCh38, 1-based): chr15:90,760,868, T>C. VCF-style: chr15-90760868-T-C. GRCh37 (hg19) VCF-style: chr15-91304098-T-C.
Other names: c.1495T>C, p.Ser499Pro (NM_001287246.2, NM_001287247.2); c.370T>C, p.Ser124Pro (NM_001287248.2); short protein forms S499P, S124P.
Identifiers: ClinVar variation 5032894 (VCV005032894.1).
Genomic context (GRCh38, chr15:90,760,868, plus strand): 5'-TTCTCTGCCACCAGGAAGAATCTTTTTGAAAGGCCTTTATTCAATACCCATTTACAGAAG[T>C]CCTTTGTAAGTAGCAACTGGGCTGAAACACCAAGACTAGGAAAAAAAAATGAAAGCTCTT-3'
Protein context (NP_000048.1, residues 489-509): RPLFNTHLQK[Ser499Pro]FVSSNWAETP

ClinVar aggregate classification (germline): Uncertain significance (1 of 4 stars; one submission).

Conditions:
Hereditary cancer-predisposing syndrome. Also called: Neoplastic Syndromes, Hereditary; Tumor predisposition; Hereditary neoplastic syndrome; Hereditary Cancer Syndrome. Identifiers: Orphanet 140162, MedGen C0027672, MeSH D009386, MONDO:0015356.

Submission:

Ambry Genetics
Classification: Uncertain significance for Hereditary cancer-predisposing syndrome. Last evaluated: 2026-07-06. Review status: criteria provided, single submitter. Criteria: Ambry Variant Classification Scheme 2023. Collection method: clinical testing. Allele origin: germline.
Comment: The p.S499P variant (also known as c.1495T>C), located in coding exon 6 of the BLM gene, results from a T to C substitution at nucleotide position 1495. The serine at codon 499 is replaced by proline, an amino acid with similar properties. This amino acid position is conserved. In addition, this alteration is predicted to be tolerated by in silico analysis. Based on the available evidence, the clinical significance of this variant remains unclear.